The following is an entry in ClinVar:

ClinVar aggregate classification (germline): Uncertain significance (1 of 4 stars; one submission).

Allele frequency attached by ClinVar (database versions not stated): gnomAD exomes below 0.00001.
gnomAD v4.1: 2 of 1,573,902 alleles (0.00013%); highest among the groups gnomAD compares: Non-Finnish European, 0.000086%; no homozygotes.

Submission:

Labcorp Genetics (formerly Invitae), Labcorp
Classification: Uncertain significance. Last evaluated: 2022-08-22. Review status: criteria provided, single submitter. Criteria: Invitae Variant Classification Sherloc (09022015). Collection method: clinical testing. Allele origin: germline.
Comment: This sequence change replaces alanine, which is neutral and non-polar, with valine, which is neutral and non-polar, at codon 2439 of the DCHS1 protein (p.Ala2439Val). This variant is not present in population databases (gnomAD no frequency). This variant has not been reported in the literature in individuals affected with DCHS1-related conditions. ClinVar contains an entry for this variant (Variation ID: 1359634). Advanced modeling of protein sequence and biophysical properties (such as structural, functional, and spatial information, amino acid conservation, physicochemical variation, residue mobility, and thermodynamic stability) performed at Invitae indicates that this missense variant is not expected to disrupt DCHS1 protein function. In summary, the available evidence is currently insufficient to determine the role of this variant in disease. Therefore, it has been classified as a Variant of Uncertain Significance.

NM_003737.4(DCHS1):c.7316C>T (p.Ala2439Val)

Gene: DCHS1 (dachsous cadherin-related 1; minus strand). Cytogenetic location: 11p15.4.
Variant type: single nucleotide variant.
Coding change: c.7316C>T on transcript NM_003737.4 (MANE Select); coding-DNA position 7316, C replaced by T.
Protein change: p.Ala2439Val; replaces alanine 2439 with valine.
Molecular consequence: missense variant.
Genome position (GRCh38, 1-based): chr11:6,624,360, G>A on the plus strand (C>T on the coding strand, the complement: DCHS1 is on the minus strand). VCF-style: chr11-6624360-G-A. GRCh37 (hg19) VCF-style: chr11-6645591-G-A.
Other names: short protein forms A2439V.
Identifiers: ClinVar variation 1359634 (VCV001359634.8), dbSNP rs2134613332, ClinGen allele CA379483325.